The following is an entry in ClinVar:

NM_000377.3(WAS):c.49G>T (p.Ala17Ser)

Gene: WAS (WASP actin nucleation promoting factor; plus strand). Cytogenetic location: Xp11.23.
Variant type: single nucleotide variant.
Coding change: c.49G>T on transcript NM_000377.3 (MANE Select); coding-DNA position 49, G replaced by T.
Protein change: p.Ala17Ser; replaces alanine 17 with serine.
Molecular consequence: missense variant.
Genome position (GRCh38, 1-based): chrX:48,683,902, G>T. VCF-style: chrX-48683902-G-T. GRCh37 (hg19) VCF-style: chrX-48542291-G-T.
Other names: short protein forms A17S.
Identifiers: ClinVar variation 566587 (VCV000566587.5), dbSNP rs1569493673, ClinGen allele CA412865373.

ClinVar aggregate classification (germline): Uncertain significance (1 of 4 stars; one submission).

Conditions:
Wiskott-Aldrich syndrome (WAS). Also called: ALDRICH SYNDROME; IMMUNODEFICIENCY 2; Wiskott-aldrich syndrome, somatic; WISKOTT-ALDRICH SYNDROME 1. Identifiers: Orphanet 906, MedGen C0043194, MONDO:0010518, OMIM 301000.
X-linked severe congenital neutropenia (SCNX). Identifiers: Orphanet 86788, MedGen C1845987, MONDO:0010294, OMIM 300299.
Thrombocytopenia 1. Also called: THROMBOCYTOPENIA, X-LINKED, 1; X-linked thrombocytopenia with normal platelets; X-Linked Thrombocytopenia (XLT). Identifiers: Orphanet 268322, Orphanet 852, MedGen C1839163, MONDO:0010743, OMIM 313900.

Allele frequency attached by ClinVar (database versions not stated): gnomAD exomes below 0.00001.

Submission:

Labcorp Genetics (formerly Invitae), Labcorp
Classification: Uncertain significance for Wiskott-Aldrich syndrome; X-linked severe congenital neutropenia; Thrombocytopenia 1. Last evaluated: 2025-06-25. Review status: criteria provided, single submitter. Criteria: Invitae Variant Classification Sherloc (09022015). Collection method: clinical testing. Allele origin: germline.
Comment: This sequence change replaces alanine, which is neutral and non-polar, with serine, which is neutral and polar, at codon 17 of the WAS protein (p.Ala17Ser). This variant is not present in population databases (gnomAD no frequency). This variant has not been reported in the literature in individuals affected with WAS-related conditions. ClinVar contains an entry for this variant (Variation ID: 566587). Invitae Evidence Modeling of protein sequence and biophysical properties (such as structural, functional, and spatial information, amino acid conservation, physicochemical variation, residue mobility, and thermodynamic stability) indicates that this missense variant is not expected to disrupt WAS protein function with a negative predictive value of 80%. In summary, the available evidence is currently insufficient to determine the role of this variant in disease. Therefore, it has been classified as a Variant of Uncertain Significance.